The following is an entry in ClinVar:

ClinVar aggregate classification (germline): Conflicting classifications of pathogenicity. Review status: criteria provided, conflicting classifications (1 of 4 stars). 2 submissions from 2 submitters: Likely pathogenic (1); Uncertain significance (1). Last evaluated 2025-05-07.

gnomAD v4.1: 9 of 1,614,132 alleles (0.00056%); highest among the groups gnomAD compares: South Asian, 0.0022%; no homozygotes.

Submissions (2):

GeneDx
Classification: Likely pathogenic. Last evaluated: 2025-05-07. Review status: criteria provided, single submitter. Criteria: GeneDx Variant Classification Process June 2021. Collection method: clinical testing. Allele origin: germline. Affected: yes.
Comment: In silico analysis supports that this missense variant has a deleterious effect on protein structure/function; Not observed at significant frequency in large population cohorts (gnomAD); This variant is associated with the following publications: (PMID: 27544499, 40225153, 34220084, 27217339)

Women's Health and Genetics/Laboratory Corporation of America, LabCorp
Classification: Uncertain significance. Last evaluated: 2024-10-16. Review status: criteria provided, single submitter. Criteria: LabCorp Variant Classification Summary - May 2015. Collection method: clinical testing. Allele origin: germline.
Comment: Variant summary: SPG11 c.3623C>T (p.Pro1208Leu) results in a non-conservative amino acid change in the encoded protein sequence. Five of five in-silico tools predict a damaging effect of the variant on protein function. The variant allele was found at a frequency of 8e-06 in 251432 control chromosomes. The available data on variant occurrences in the general population are insufficient to allow any conclusion about variant significance. c.3623C>T has been reported in the literature in the presumed or confirmed compound heterozygous state in at least 2 individuals affected with clinical features of Hereditary Spastic Paraplegia (example, Kara_2016, Mazumdar_2017), however in 1 individual musculoskeletal manifestations were unilateral. These data do not allow any conclusion about variant significance. To our knowledge, no experimental evidence demonstrating an impact on protein function has been reported. The following publications have been ascertained in the context of this evaluation (PMID: 27217339, NO_PMID). No submitters have cited clinical-significance assessments for this variant to ClinVar. Based on the evidence outlined above, the variant was classified as uncertain significance.

Literature cited by the submitters: PubMed 27217339 (cited by Women's Health and Genetics/Laboratory Corporation of America, LabCorp).

NM_025137.4(SPG11):c.3623C>T (p.Pro1208Leu)

Gene: SPG11 (SPG11 vesicle trafficking associated, spatacsin; minus strand). Cytogenetic location: 15q21.1.
Variant type: single nucleotide variant.
Coding change: c.3623C>T on transcript NM_025137.4 (MANE Select); coding-DNA position 3623, C replaced by T.
Protein change: p.Pro1208Leu; replaces proline 1208 with leucine.
Molecular consequence: missense variant.
Genome position (GRCh38, 1-based): chr15:44,600,530, G>A on the plus strand (C>T on the coding strand, the complement: SPG11 is on the minus strand). VCF-style: chr15-44600530-G-A. GRCh37 (hg19) VCF-style: chr15-44892728-G-A.
Other names: c.3623C>T, p.Pro1208Leu (NM_001160227.2, NM_001411132.1); c.3623C>T (NM_025137.3); short protein forms P1208L.
Identifiers: ClinVar variation 3385262 (VCV003385262.2).